The following is an entry in ClinVar:

ClinVar aggregate classification (germline): Uncertain significance (1 of 4 stars; one submission).

Conditions:
Fanconi anemia (FA). Also called: Fanconi's anemia. Identifiers: Orphanet 84, MedGen C0015625, MeSH D005199, MONDO:0019391.

gnomAD v4.1: 1 of 1,613,676 alleles (0.000062%); highest among the groups gnomAD compares: East Asian, 0.0022%; no homozygotes.

Submission:

Labcorp Genetics (formerly Invitae), Labcorp
Classification: Uncertain significance for Fanconi anemia. Last evaluated: 2024-06-29. Review status: criteria provided, single submitter. Criteria: Invitae Variant Classification Sherloc (09022015). Collection method: clinical testing. Allele origin: germline.
Comment: This sequence change replaces arginine, which is basic and polar, with leucine, which is neutral and non-polar, at codon 313 of the FANCM protein (p.Arg313Leu). This variant is present in population databases (no rsID available, gnomAD 0.006%). This variant has not been reported in the literature in individuals affected with FANCM-related conditions. ClinVar contains an entry for this variant (Variation ID: 1467219). An algorithm developed to predict the effect of missense changes on protein structure and function (PolyPhen-2) suggests that this variant is likely to be tolerated. Algorithms developed to predict the effect of sequence changes on RNA splicing suggest that this variant may create or strengthen a splice site. In summary, the available evidence is currently insufficient to determine the role of this variant in disease. Therefore, it has been classified as a Variant of Uncertain Significance.

NM_020937.4(FANCM):c.938G>T (p.Arg313Leu)

Gene: FANCM (FA complementation group M; plus strand). Cytogenetic location: 14q21.2.
Variant type: single nucleotide variant.
Coding change: c.938G>T on transcript NM_020937.4 (MANE Select); coding-DNA position 938, G replaced by T.
Protein change: p.Arg313Leu; replaces arginine 313 with leucine.
Molecular consequence: missense variant.
Genome position (GRCh38, 1-based): chr14:45,151,416, G>T. VCF-style: chr14-45151416-G-T. GRCh37 (hg19) VCF-style: chr14-45620619-G-T.
Other names: c.860G>T, p.Arg287Leu (NM_001308133.2); c.938G>T, p.Arg313Leu (NM_001308134.2); short protein forms R287L, R313L.
Identifiers: ClinVar variation 1467219 (VCV001467219.6), dbSNP rs767487612, ClinGen allele CA389590510.